The following is an entry in ClinVar:

ClinVar aggregate classification (germline): Pathogenic (1 of 4 stars; one submission).

Conditions:
Intellectual disability-severe speech delay-mild dysmorphism syndrome (IDDLA). Also called: Mental retardation with language impairment and autistic features; Intellectual developmental disorder with language impairment AND with or without autistic features; FOXP1 Syndrome. Identifiers: Orphanet 391372, MedGen C4013764, MONDO:0013352, OMIM 613670.

Submission:

Department of Pediatrics, Oita University Faculty of Medicine
Classification: Pathogenic for Intellectual disability-severe speech delay-mild dysmorphism syndrome. Last evaluated: 2026-05-28. Review status: criteria provided, single submitter. Criteria: ACMG Guidelines, 2015. Collection method: provider interpretation. Allele origin: germline. Inheritance: Autosomal dominant inheritance. Affected: yes. Observed: 1 variant allele, 1 heterozygote.
Comment: According to the ACMG/AMP guidelines, NM_001349338.3.1522dupA (p.Thr508Asnfs*34) is a heterozygous frameshift variant in FOXP1 and is predicted to result in loss of function, a known disease mechanism for FOXP1-related disorder. Therefore, the PVS1 criterion was applied. Based on these criteria, this variant was classified as pathogenic. To our knowledge, no identical pathogenic variant has been reported in ClinVar.

Literature cited by the submitters: PubMed 37733892.

NM_001349338.3(FOXP1):c.1522dup (p.Thr508fs)

Genes: FOXP1 (forkhead box P1; minus strand), LOC126806714 (BRD4-independent group 4 enhancer GRCh37_chr3:71025197-71026396; plus strand). Cytogenetic location: 3p13.
Variant type: Duplication.
Coding change: c.1522dup on transcript NM_001349338.3 (MANE Select); coding-DNA position 1522, one base duplicated (A; older notation c.1522dupA).
Protein change: p.Thr508fs; shifts the reading frame from threonine 508.
Molecular consequence: frameshift variant. On other transcripts: non-coding transcript variant (2).
Genome position (GRCh38, 1-based): chr3:70,976,949, T duplicated on the plus strand (A on the coding strand, the reverse complement: FOXP1 is on the minus strand). VCF-style (leftmost placement, unchanged base first): chr3-70976948-G-GT. GRCh37 (hg19) VCF-style: chr3-71026099-G-GT.
Other names: p.Thr508Asnfs*34; c.1519dup, p.Thr507fs (NM_001349341.3, NM_001244808.3); c.1222dup, p.Thr408fs (NM_001349342.3, NM_001244815.2, NM_001244813.3); c.1219dup, p.Thr407fs (NM_001349343.3, NM_001349337.2, NM_001349344.3 and 1 more transcripts); c.1522dup, p.Thr508fs (NM_001244814.3, NM_001244816.2, NM_001349340.3 and 2 more transcripts); c.1294dup, p.Thr432fs (NM_001244812.3); c.1522dupA (NM_001349338.3); short protein forms T407fs, T408fs, T432fs, T507fs, T508fs.
Identifiers: ClinVar variation 4852472 (VCV004852472.1).